The following is an entry in ClinVar:

NM_201384.3(PLEC):c.5653G>A (p.Ala1885Thr)

Gene: PLEC (plectin; minus strand). Cytogenetic location: 8q24.3.
Variant type: single nucleotide variant.
Coding change: c.5653G>A on transcript NM_201384.3 (MANE Select); coding-DNA position 5653, G replaced by A.
Protein change: p.Ala1885Thr; replaces alanine 1885 with threonine.
Molecular consequence: missense variant.
Genome position (GRCh38, 1-based): chr8:143,924,276, C>T on the plus strand (G>A on the coding strand, the complement: PLEC is on the minus strand). VCF-style: chr8-143924276-C-T. GRCh37 (hg19) VCF-style: chr8-144998444-C-T.
Other names: p.Ala1871Thr; c.5734G>A, p.Ala1912Thr (NM_000445.5); c.5611G>A, p.Ala1871Thr (NM_201378.4); c.5587G>A, p.Ala1863Thr (NM_201379.3); c.6064G>A, p.Ala2022Thr (NM_201380.4); c.5557G>A, p.Ala1853Thr (NM_201381.3); c.5653G>A, p.Ala1885Thr (NM_201382.4); c.5665G>A, p.Ala1889Thr (NM_201383.3); short protein forms A1863T, A1871T, A1889T, A1885T, A2022T, A1853T, A1912T.
Identifiers: ClinVar variation 282287 (VCV000282287.21), dbSNP rs201070741, ClinGen allele CA4926282.

ClinVar aggregate classification (germline): Benign/Likely benign. Review status: criteria provided, multiple submitters, no conflicts (2 of 4 stars). 9 submissions from 9 submitters: Benign (6); Likely benign (1). 2 of the submissions do not count toward it. Last evaluated 2026-01-22.

Conditions:
Autosomal recessive limb-girdle muscular dystrophy type 2Q (LGMDR17). Also called: MUSCULAR DYSTROPHY, LIMB-GIRDLE, AUTOSOMAL RECESSIVE 17. Identifiers: Orphanet 254361, MedGen C3150989, MONDO:0013390, OMIM 613723.
Epidermolysis bullosa simplex 5B, with muscular dystrophy (EBS5B). Also called: EPIDERMOLYSIS BULLOSA SIMPLEX AND LIMB-GIRDLE MUSCULAR DYSTROPHY; Epidermolysis bullosa simplex with muscular dystrophy. Identifiers: Orphanet 257, MedGen C2931072, MONDO:0009181, OMIM 226670.
Epidermolysis bullosa simplex with nail dystrophy (EBS5D). Identifiers: MedGen C4225309, MONDO:0014661, OMIM 616487.
Epidermolysis bullosa simplex 5C, with pyloric atresia (EBS5C). Also called: PLEC-Related Epidermolysis Bullosa with Pyloric Atresia; PLEC1-Related Epidermolysis Bullosa with Pyloric Atresia; Epidermolysis bullosa simplex with pyloric atresia. Identifiers: Orphanet 158684, MedGen C2677349, MONDO:0012807, OMIM 612138.
Epidermolysis bullosa simplex, Ogna type (EBS5A). Also called: Pidermolysis bullosa simplex 5A, Ogna type; EPIDERMOLYSIS BULLOSA SIMPLEX 5A, OGNA TYPE. Identifiers: Orphanet 79401, MedGen C0432317, MONDO:0007555, OMIM 131950.

Allele frequency attached by ClinVar (database versions not stated): ESP Exome Variant Server 0.00008; gnomAD exomes 0.00194 and 0.00437; gnomAD 0.00200 and 0.00264; TOPMed 0.00222; ExAC 0.00437; 1000 Genomes Project 0.00879; 1000 Genomes Project 30x 0.00921.

Submissions (9):

Labcorp Genetics (formerly Invitae), Labcorp
Classification: Benign for Autosomal recessive limb-girdle muscular dystrophy type 2Q; Epidermolysis bullosa simplex, Ogna type; Epidermolysis bullosa simplex with nail dystrophy; Epidermolysis bullosa simplex 5C, with pyloric atresia; Epidermolysis bullosa simplex 5B, with muscular dystrophy. Last evaluated: 2026-01-22. Review status: criteria provided, single submitter. Criteria: Invitae Variant Classification Sherloc (09022015). Collection method: clinical testing. Allele origin: germline.

Blueprint Genetics
Classification: Likely benign. Last evaluated: 2024-11-25. Review status: criteria provided, single submitter. Criteria: ACMG Guidelines, 2015. Collection method: clinical testing. Allele origin: germline.

Mayo Clinic Laboratories, Mayo Clinic
Classification: Benign. Last evaluated: 2022-03-30. Review status: criteria provided, single submitter. Criteria: ACMG Guidelines, 2015. Collection method: clinical testing. Allele origin: germline. Observed: 11 variant alleles.
Comment: BS1, BS2

Dubai Health Genomic Medicine Center, Dubai Health
Classification: Benign. Last evaluated: 2019-12-15. Review status: criteria provided, single submitter. Criteria: ACMG Guidelines, 2015. Collection method: clinical testing. Allele origin: germline. Affected: yes.

GeneDx
Classification: Benign. Last evaluated: 2016-10-27. Review status: criteria provided, single submitter. Criteria: GeneDx Variant Classification (06012015). Collection method: clinical testing. Allele origin: germline. Affected: yes.
Comment: This variant is considered likely benign or benign based on one or more of the following criteria: it is a conservative change, it occurs at a poorly conserved position in the protein, it is predicted to be benign by multiple in silico algorithms, and/or has population frequency not consistent with disease.

Eurofins Ntd Llc (ga)
Classification: Benign. Last evaluated: 2015-08-06. Review status: criteria provided, single submitter. Criteria: EGL Classification Definitions 2015. Collection method: clinical testing. Allele origin: germline. Observed: 2 variant alleles, 2 heterozygotes.

Breakthrough Genomics
Classification: Benign. Review status: criteria provided, single submitter. Criteria: ACMG Guidelines, 2015. Collection method: not provided. Allele origin: germline. Inheritance: Autosomal recessive inheritance. Affected: yes.

Clinical Genetics DNA and cytogenetics Diagnostics Lab, Erasmus MC, Erasmus Medical Center
Classification: Benign. Review status: no assertion criteria provided. Collection method: clinical testing. Allele origin: germline. Affected: yes. Study: VKGL Data-share Consensus. Not counted in ClinVar's aggregate classification.

Laboratory of Diagnostic Genome Analysis, Leiden University Medical Center (LUMC)
Classification: Likely benign. Review status: no assertion criteria provided. Collection method: clinical testing. Allele origin: germline. Affected: yes. Study: VKGL Data-share Consensus. Not counted in ClinVar's aggregate classification.